The following is an entry in ClinVar:

ClinVar aggregate classification (germline): Uncertain significance. Review status: criteria provided, multiple submitters, no conflicts (2 of 4 stars). 2 submissions from 2 submitters: Uncertain significance (2). Last evaluated 2024-09-01.

Conditions:
Inborn genetic diseases. Identifiers: MedGen C0950123, MeSH D030342.

Allele frequency attached by ClinVar (database versions not stated): ExAC 0.00001; gnomAD exomes 0.00001; TOPMed 0.00002; gnomAD 0.00003 and 0.00004.
gnomAD v4.1: 19 of 1,614,012 alleles (0.0012%); highest among the groups gnomAD compares: African/African-American, 0.0027%; no homozygotes.

Submissions (2):

Ambry Genetics
Classification: Uncertain significance for Inborn genetic diseases. Last evaluated: 2024-09-01. Review status: criteria provided, single submitter. Criteria: Ambry Variant Classification Scheme 2023. Collection method: clinical testing. Allele origin: germline.

Labcorp Genetics (formerly Invitae), Labcorp
Classification: Uncertain significance. Last evaluated: 2021-11-22. Review status: criteria provided, single submitter. Criteria: Invitae Variant Classification Sherloc (09022015). Collection method: clinical testing. Allele origin: germline.
Comment: This sequence change replaces arginine, which is basic and polar, with cysteine, which is neutral and slightly polar, at codon 152 of the SLC26A3 protein (p.Arg152Cys). This variant is present in population databases (rs776524702, gnomAD 0.006%). This variant has not been reported in the literature in individuals affected with SLC26A3-related conditions. Algorithms developed to predict the effect of missense changes on protein structure and function are either unavailable or do not agree on the potential impact of this missense change (SIFT: "Deleterious"; PolyPhen-2: "Benign"; Align-GVGD: "Class C0"). In summary, the available evidence is currently insufficient to determine the role of this variant in disease. Therefore, it has been classified as a Variant of Uncertain Significance.

NM_000111.3(SLC26A3):c.454C>T (p.Arg152Cys)

Gene: SLC26A3 (solute carrier family 26 member 3; minus strand). Cytogenetic location: 7q22.3.
Variant type: single nucleotide variant.
Coding change: c.454C>T on transcript NM_000111.3 (MANE Select); coding-DNA position 454, C replaced by T.
Protein change: p.Arg152Cys; replaces arginine 152 with cysteine.
Molecular consequence: missense variant.
Genome position (GRCh38, 1-based): chr7:107,791,164, G>A on the plus strand (C>T on the coding strand, the complement: SLC26A3 is on the minus strand). VCF-style: chr7-107791164-G-A. GRCh37 (hg19) VCF-style: chr7-107431609-G-A.
Other names: c.454C>T (NM_000111.2); short protein forms R152C.
Identifiers: ClinVar variation 1352418 (VCV001352418.4), dbSNP rs776524702, ClinGen allele CA4434123.